The following is an entry in ClinVar:

NM_005149.3(TBX19):c.1102G>A (p.Gly368Arg)

Gene: TBX19 (T-box transcription factor 19; plus strand). Cytogenetic location: 1q24.2.
Variant type: single nucleotide variant.
Coding change: c.1102G>A on transcript NM_005149.3 (MANE Select); coding-DNA position 1102, G replaced by A.
Protein change: p.Gly368Arg; replaces glycine 368 with arginine.
Molecular consequence: missense variant.
Genome position (GRCh38, 1-based): chr1:168,312,757, G>A. VCF-style: chr1-168312757-G-A. GRCh37 (hg19) VCF-style: chr1-168281995-G-A.
Other names: short protein forms G368R.
Identifiers: ClinVar variation 4693010 (VCV004693010.1).
Genomic context (GRCh38, chr1:168,312,757, plus strand): 5'-TGTCTCTGCAGCCCCTACCCGTGCCTGTGGACCATCAGCAATGGTGCCGGAGGCCCCAGT[G>A]GGCCAGGCCCGGAGGTGCACGCCAGCACCCCAGGAGCATTTCTCCTCGGAAACCCAGCTG-3'
Protein context (NP_005140.1, residues 358-378): TISNGAGGPS[Gly368Arg]PGPEVHASTP

ClinVar aggregate classification (germline): Uncertain significance (1 of 4 stars; one submission).

gnomAD v4.1: 40 of 1,614,160 alleles (0.0025%); highest among the groups gnomAD compares: East Asian, 0.08%; no homozygotes.

Submission:

Labcorp Genetics (formerly Invitae), Labcorp
Classification: Uncertain significance. Last evaluated: 2026-01-09. Review status: criteria provided, single submitter. Criteria: Invitae Variant Classification Sherloc (09022015). Collection method: clinical testing. Allele origin: germline.
Comment: This sequence change replaces glycine, which is neutral and non-polar, with arginine, which is basic and polar, at codon 368 of the TBX19 protein (p.Gly368Arg). This variant is present in population databases (rs138278388, gnomAD 0.08%). This variant has not been reported in the literature in individuals affected with TBX19-related conditions. An algorithm developed to predict the effect of missense changes on protein structure and function (PolyPhen-2) suggests that this variant is likely to be tolerated. In summary, the available evidence is currently insufficient to determine the role of this variant in disease. Therefore, it has been classified as a Variant of Uncertain Significance.